The following is an entry in ClinVar:

NM_001291815.2(HMCN2):c.6706C>T (p.Leu2236=)

Gene: HMCN2 (hemicentin 2; plus strand). Cytogenetic location: 9q34.11.
Variant type: single nucleotide variant.
Coding change: c.6706C>T on transcript NM_001291815.2 (MANE Select); coding-DNA position 6706, C replaced by T.
Protein change: p.Leu2236=; no amino-acid change (leucine 2236 retained).
Molecular consequence: synonymous variant.
Genome position (GRCh38, 1-based): chr9:130,368,356, C>T. VCF-style: chr9-130368356-C-T. GRCh37 (hg19) VCF-style: chr9-133243743-C-T.
Identifiers: ClinVar variation 2659593 (VCV002659593.24), dbSNP rs1034226626, ClinGen allele CA200582647.

ClinVar aggregate classification (germline): Likely benign (1 of 4 stars; one submission).

Allele frequency attached by ClinVar (database versions not stated): gnomAD exomes 0.00001; gnomAD 0.00005.
gnomAD v4.1: 13 of 985,668 alleles (0.0013%); highest among the groups gnomAD compares: Admixed American, 0.012%; no homozygotes.

Submission:

CeGaT Center for Human Genetics Tuebingen
Classification: Likely benign. Last evaluated: 2022-12-01. Review status: criteria provided, single submitter. Criteria: CeGaT Center For Human Genetics Tuebingen Variant Classification Criteria Version 2. Collection method: clinical testing. Allele origin: germline. Affected: yes. Observed: 1 variant allele.
Comment: HMCN2: BP4, BP7